The following is an entry in ClinVar:

ClinVar aggregate classification (germline): Likely pathogenic. Review status: criteria provided, single submitter (1 of 4 stars). 2 submissions from 2 submitters: Likely pathogenic (1). 1 of the submissions does not count toward it. Last evaluated 2024-06-07.

Conditions:
Mucopolysaccharidosis, MPS-II (MPS2). Also called: IDS deficiency; Sulfoiduronate sulfatase deficiency; SIDS deficiency; Hunter Syndrome; IDURONATE 2-SULFATASE DEFICIENCY; Mucopolysaccharidosis Type II. Identifiers: Orphanet 580, Orphanet 79388, MedGen C0026705, MONDO:0010674, OMIM 309900.

Submissions (2):

Laboratory of Diagnosis and Therapy of Lysosomal Disorders, University of Padova
Classification: Likely pathogenic for Mucopolysaccharidosis, MPS-II. Last evaluated: 2024-06-07. Review status: criteria provided, single submitter. Criteria: ACMG Guidelines, 2015. Collection method: literature only. Allele origin: germline. Affected: yes. Observed: 2 variant alleles.
Comment: Null variant (PVS1_Strong), Absent from controls (or at low frequency) in gnomAD database (PM2_Moderate), Patient’s phenotype or family history highly specific for the disease (PP4_Moderate)

Classification method: ACMG Guidelines [PMID:25741868] with modifications

Division of Medical Genetics, Department of Pediatrics, All India Institute of Medical Sciences, New Delhi
Classification: Likely pathogenic for Mucopolysaccharidosis, MPS-II. Last evaluated: 2014-03-01. Review status: no assertion criteria provided. Collection method: research. Allele origin: germline. Inheritance: X-linked recessive inheritance. Affected: yes. Observed: 1 variant allele, 1 hemizygote. Not counted in ClinVar's aggregate classification.
Comment: The change c.1249C>T (p.Q417*) was found to be a novel nonsense variant, where the polar neutral amino acid Glutamine at 417 position was substituted by stop codon leading to early truncation of the peptide. It was found in the hemizygous condition in two of the severly affected male sibs with MPS-II in a family from the state of Bihar, India.

Literature cited by the submitters: PubMed 35144014 (cited by Laboratory of Diagnosis and Therapy of Lysosomal Disorders, University of Padova).

NM_000202.8(IDS):c.1249C>T (p.Gln417Ter)

Gene: IDS (iduronate 2-sulfatase; minus strand). Cytogenetic location: Xq28.
Variant type: single nucleotide variant.
Coding change: c.1249C>T on transcript NM_000202.8 (MANE Select); coding-DNA position 1249, C replaced by T.
Protein change: p.Gln417Ter; replaces glutamine 417 with a stop codon.
Molecular consequence: nonsense.
Genome position (GRCh38, 1-based): chrX:149,483,150, G>A on the plus strand (C>T on the coding strand, the complement: IDS is on the minus strand). VCF-style: chrX-149483150-G-A. GRCh37 (hg19) VCF-style: chrX-148564681-G-A.
Other names: c.979C>T, p.Gln327Ter (NM_001166550.4); short protein forms Q327*, Q417*.
Identifiers: ClinVar variation 1065197 (VCV001065197.3), dbSNP rs2123994961, ClinGen allele CA414518496.